The following is an entry in ClinVar:

NM_022464.5(SIL1):c.286C>T (p.Gln96Ter)

Gene: SIL1 (SIL1 nucleotide exchange factor; minus strand). Cytogenetic location: 5q31.2.
Variant type: single nucleotide variant.
Coding change: c.286C>T on transcript NM_022464.5 (MANE Select); coding-DNA position 286, C replaced by T.
Protein change: p.Gln96Ter; replaces glutamine 96 with a stop codon.
Molecular consequence: nonsense.
Genome position (GRCh38, 1-based): chr5:139,051,005, G>A on the plus strand (C>T on the coding strand, the complement: SIL1 is on the minus strand). VCF-style: chr5-139051005-G-A. GRCh37 (hg19) VCF-style: chr5-138386694-G-A.
Other names: c.286C>T, p.Gln96Ter (NM_001037633.2); short protein forms Q96*.
Identifiers: ClinVar variation 5019571 (VCV005019571.2).

ClinVar aggregate classification (germline): Likely pathogenic (1 of 4 stars; one submission).

Conditions:
Marinesco-Sjögren syndrome (MSS). Also called: Marinesco-SjÃ¶gren syndrome; Marinesco-Sjogren Syndrome. Identifiers: Orphanet 559, MedGen C0024814, MONDO:0009567, OMIM 248800.

Submission:

Juno Genomics, Hangzhou Juno Genomics, Inc
Classification: Likely pathogenic for Marinesco-Sjögren syndrome. Review status: criteria provided, single submitter. Criteria: ACMG Guidelines, 2015. Collection method: clinical testing. Allele origin: germline.
Comment: Absent from controls (or at extremely low frequency if recessive) in Genome Aggregation Database.;Null variant in a gene where loss of function (LOF) is a known mechanism of disease.